The following is an entry in ClinVar:

ClinVar aggregate classification (germline): Likely benign (1 of 4 stars; one submission).

Conditions:
GRHL2-related disorder. Also called: GRHL2-related disorders; GRHL2-related condition.

gnomAD v4.1: 33 of 1,614,034 alleles (0.002%); highest among the groups gnomAD compares: South Asian, 0.026%; no homozygotes.

Submission:

PreventionGenetics, part of Exact Sciences
Classification: Likely benign for GRHL2-related condition. Last evaluated: 2026-01-14. Review status: criteria provided, single submitter. Criteria: ACMG Guidelines, 2015. Collection method: clinical testing. Allele origin: germline.
Comment: This variant is classified as likely benign based on ACMG/AMP sequence variant interpretation guidelines (Richards et al. 2015 PMID: 25741868, with internal and published modifications).

NM_024915.4(GRHL2):c.627C>T (p.Arg209=)

Gene: GRHL2 (grainyhead like transcription factor 2; plus strand). Cytogenetic location: 8q22.3.
Variant type: single nucleotide variant.
Coding change: c.627C>T on transcript NM_024915.4 (MANE Select); coding-DNA position 627, C replaced by T.
Protein change: p.Arg209=; no amino-acid change (arginine 209 retained).
Molecular consequence: synonymous variant.
Genome position (GRCh38, 1-based): chr8:101,558,761, C>T. VCF-style: chr8-101558761-C-T. GRCh37 (hg19) VCF-style: chr8-102570989-C-T.
Other names: c.579C>T, p.Arg193= (NM_001330593.2, NM_001440448.1); c.627C>T, p.Arg209= (NM_001440447.1).
Identifiers: ClinVar variation 4980358 (VCV004980358.1).